The following is an entry in ClinVar:

NM_000400.4(ERCC2):c.1887G>C (p.Gln629His)

Gene: ERCC2 (ERCC excision repair 2, TFIIH core complex helicase subunit; minus strand). Cytogenetic location: 19q13.32.
Variant type: single nucleotide variant.
Coding change: c.1887G>C on transcript NM_000400.4 (MANE Select); coding-DNA position 1887, G replaced by C.
Protein change: p.Gln629His; replaces glutamine 629 with histidine.
Molecular consequence: missense variant.
Genome position (GRCh38, 1-based): chr19:45,352,761, C>G on the plus strand (G>C on the coding strand, the complement: ERCC2 is on the minus strand). VCF-style: chr19-45352761-C-G. GRCh37 (hg19) VCF-style: chr19-45856019-C-G.
Other names: short protein forms Q629H.
Identifiers: ClinVar variation 134099 (VCV000134099.18), dbSNP rs200665173, ClinGen allele CA158764.

ClinVar aggregate classification (germline): Uncertain significance. Review status: criteria provided, multiple submitters, no conflicts (2 of 4 stars). 11 submissions from 9 submitters: Uncertain significance (10). 1 of the submissions does not count toward it. Last evaluated 2026-01-19.

Conditions:
Cerebrooculofacioskeletal syndrome 2 (COFS2). Identifiers: MedGen C1853102, MONDO:0012553, OMIM 610756.
Xeroderma pigmentosum, group D (XPD). Also called: ERCC2-Related Xeroderma Pigmentosum; XP, GROUP H; XERODERMA PIGMENTOSUM IV; XP, GROUP D; XERODERMA PIGMENTOSUM, COMPLEMENTATION GROUP D. Identifiers: MedGen C0268138, MONDO:0010212, OMIM 278730.
Trichothiodystrophy 1, photosensitive (TTD1). Also called: TAY SYNDROME; TRICHOTHIODYSTROPHY WITH CONGENITAL ICHTHYOSIS; PIBIDS SYNDROME. Identifiers: Orphanet 33364, MedGen C1866504, MONDO:0011125, OMIM 601675.
Xeroderma pigmentosum (XP). Identifiers: Orphanet 910, MedGen C0043346, MONDO:0019600.
Cerebrooculofacioskeletal syndrome 1 (COFS1). Also called: Cerebro-oculo-facio-skeletal syndrome 1. Identifiers: MedGen C0220722, MONDO:0008955, OMIM 214150.
Ketotic hypoglycemia. Identifiers: MedGen C0271713, HP:0012734.

Allele frequency attached by ClinVar (database versions not stated): ESP Exome Variant Server 0.00008; gnomAD exomes 0.00008; TOPMed 0.00010; 1000 Genomes Project 0.00060; 1000 Genomes Project 30x 0.00078.

Submissions (11):

Labcorp Genetics (formerly Invitae), Labcorp
Classification: Uncertain significance. Last evaluated: 2026-01-19. Review status: criteria provided, single submitter. Criteria: Invitae Variant Classification Sherloc (09022015). Collection method: clinical testing. Allele origin: germline.
Comment: This sequence change replaces glutamine, which is neutral and polar, with histidine, which is basic and polar, at codon 629 of the ERCC2 protein (p.Gln629His). This variant is present in population databases (rs200665173, gnomAD 0.03%). This variant has not been reported in the literature in individuals affected with ERCC2-related conditions. ClinVar contains an entry for this variant (Variation ID: 134099). Invitae Evidence Modeling of protein sequence and biophysical properties (such as structural, functional, and spatial information, amino acid conservation, physicochemical variation, residue mobility, and thermodynamic stability) indicates that this missense variant is expected to disrupt ERCC2 protein function with a positive predictive value of 80%. In summary, the available evidence is currently insufficient to determine the role of this variant in disease. Therefore, it has been classified as a Variant of Uncertain Significance.

GeneDx
Classification: Uncertain significance. Last evaluated: 2025-06-02. Review status: criteria provided, single submitter. Criteria: GeneDx Variant Classification Process June 2021. Collection method: clinical testing. Allele origin: germline. Affected: yes.
Comment: In silico analysis supports that this missense variant has a deleterious effect on protein structure/function; Reported as a variant of uncertain significance in an individual with a history of thyroid cancer (PMID: 35534704); This variant is associated with the following publications: (PMID: 35534704, 24728327)

Clinical Genetics Laboratory, Skane University Hospital Lund
Classification: Uncertain significance for Ketotic hypoglycemia. Last evaluated: 2024-09-02. Review status: criteria provided, single submitter. Criteria: ACMG Guidelines, 2015. Collection method: clinical testing. Allele origin: germline. Affected: yes.
Comment: PM2, PP3

Fulgent Genetics
Classification: Uncertain significance for Xeroderma pigmentosum, group D; Trichothiodystrophy 1, photosensitive; Cerebrooculofacioskeletal syndrome 2. Last evaluated: 2022-04-12. Review status: criteria provided, single submitter. Criteria: ACMG Guidelines, 2015. Collection method: clinical testing. Allele origin: unknown.

Sema4
Classification: Uncertain significance for Xeroderma pigmentosum. Last evaluated: 2021-11-16. Review status: criteria provided, single submitter. Criteria: Sema4 Curation Guidelines. Collection method: curation. Allele origin: germline.
Comment: The ERCC2 c.1887G>C (p.Q629H) variant has not been reported in the literature to our knowledge. It was observed in 9/30614 chromosomes of the South Asian subpopulation in the large and broad cohorts of the Genome Aggregation Database (PMID: 32461654). In silico tools suggest the impact of the variant on protein function is deleterious, though these predictions have not been confirmed by functional studies. The evidence is insufficient to meet ACMG/AMP criteria for classifying the variant as benign or pathogenic. Thus, the clinical significance of this variant is currently uncertain.

Baylor Genetics
Classification: Uncertain significance for Cerebrooculofacioskeletal syndrome 2. Last evaluated: 2019-07-17. Review status: criteria provided, single submitter. Criteria: ACMG Guidelines, 2015. Collection method: clinical testing. Allele origin: unknown. Affected: yes.
Comment: This variant was determined to be of uncertain significance according to ACMG Guidelines, 2015 [PMID:25741868].

Genomic Research Center, Shahid Beheshti University of Medical Sciences
Classification: Uncertain significance for Cerebrooculofacioskeletal syndrome 1. Last evaluated: 2018-03-05. Review status: criteria provided, single submitter. Criteria: ACMG Guidelines, 2015. Collection method: clinical testing. Allele origin: inherited. Affected: no. Observed: 1 variant allele.

Genomic Research Center, Shahid Beheshti University of Medical Sciences
Classification: Uncertain significance for Trichothiodystrophy 1, photosensitive. Last evaluated: 2018-03-05. Review status: criteria provided, single submitter. Criteria: ACMG Guidelines, 2015. Collection method: clinical testing. Allele origin: inherited. Affected: no. Observed: 1 variant allele.

Genomic Research Center, Shahid Beheshti University of Medical Sciences
Classification: Uncertain significance for Xeroderma pigmentosum, group D. Last evaluated: 2018-03-05. Review status: criteria provided, single submitter. Criteria: ACMG Guidelines, 2015. Collection method: clinical testing. Allele origin: inherited. Affected: no. Observed: 1 variant allele.

Illumina Laboratory Services, Illumina
Classification: Uncertain significance for Xeroderma pigmentosum, group D. Last evaluated: 2018-01-15. Review status: criteria provided, single submitter. Criteria: ICSL Variant Classification Criteria 13 December 2019. Collection method: clinical testing. Allele origin: germline.

ITMI
No classification provided. Condition: AllHighlyPenetrant. Last evaluated: 2013-09-19. Review status: no classification provided. Collection method: reference population. Allele origin: germline. Not counted in ClinVar's aggregate classification.
Comment: Please see associated publication for description of ethnicities

Literature cited by the submitters: PubMed 24728327 (cited by ITMI).